The following is an entry in ClinVar:

NM_021020.5(LZTS1):c.700G>C (p.Asp234His)

Gene: LZTS1 (leucine zipper tumor suppressor 1; minus strand). Cytogenetic location: 8p21.3.
Variant type: single nucleotide variant.
Coding change: c.700G>C on transcript NM_021020.5 (MANE Select); coding-DNA position 700, G replaced by C.
Protein change: p.Asp234His; replaces aspartic acid 234 with histidine.
Molecular consequence: missense variant.
Genome position (GRCh38, 1-based): chr8:20,253,231, C>G on the plus strand (G>C on the coding strand, the complement: LZTS1 is on the minus strand). VCF-style: chr8-20253231-C-G. GRCh37 (hg19) VCF-style: chr8-20110742-C-G.
Other names: c.700G>C, p.Asp234His (NM_001362884.2); short protein forms D234H.
Identifiers: ClinVar variation 4769113 (VCV004769113.1).
Genomic context (GRCh38, chr8:20,253,231, plus strand): 5'-AGCGGACACACGAGGGGCCCTTGTCTGCCTTGTTCGAGTGGCCCAGCTTGCTACCTCCGT[C>G]GGAGAAGGACAGAGCCTTCAGGCTCATCATGTTGCTGTCCTGGAGGACGATGCCCTGGGT-3'
Protein context (NP_066300.1, residues 224-244): MMSLKALSFS[Asp234His]GGSKLGHSNK

ClinVar aggregate classification (germline): Uncertain significance (1 of 4 stars; one submission).

gnomAD v4.1: 8 of 1,613,860 alleles (0.0005%); highest among the groups gnomAD compares: African/African-American, 0.0013%; no homozygotes.

Submission:

Labcorp Genetics (formerly Invitae), Labcorp
Classification: Uncertain significance. Last evaluated: 2025-05-18. Review status: criteria provided, single submitter. Criteria: Invitae Variant Classification Sherloc (09022015). Collection method: clinical testing. Allele origin: germline.
Comment: This sequence change replaces aspartic acid, which is acidic and polar, with histidine, which is basic and polar, at codon 234 of the LZTS1 protein (p.Asp234His). This variant is present in population databases (rs749755729, gnomAD 0.02%). This variant has not been reported in the literature in individuals affected with LZTS1-related conditions. Invitae Evidence Modeling of protein sequence and biophysical properties (such as structural, functional, and spatial information, amino acid conservation, physicochemical variation, residue mobility, and thermodynamic stability) indicates that this missense variant is not expected to disrupt LZTS1 protein function with a negative predictive value of 80%. In summary, the available evidence is currently insufficient to determine the role of this variant in disease. Therefore, it has been classified as a Variant of Uncertain Significance.